The following is an entry in ClinVar:

ClinVar aggregate classification (germline): Conflicting classifications of pathogenicity. Review status: criteria provided, conflicting classifications (1 of 4 stars). 2 submissions from 2 submitters: Likely pathogenic (1); Uncertain significance (1). Last evaluated 2025-12-17.

Conditions:
Autosomal recessive Alport syndrome (ATS2). Also called: COL4A4 Alport Syndrome and Thin Basement Membrane Nephropathy; ALPORT SYNDROME 2, AUTOSOMAL RECESSIVE; Alport syndrome type 2; COL4A3-Related Nephropathy. Identifiers: Orphanet 63, Orphanet 88919, MedGen C4746745, MONDO:0008762, OMIM 203780.
Hematuria, benign familial, 1 (BFH1). Also called: THIN MEMBRANE NEPHROPATHY. Identifiers: MedGen CN376803, MONDO:0007709, OMIM 141200.
Alport syndrome. Also called: Hemorrhagic familial nephritis; Hemorrhagic hereditary nephritis; Congenital hereditary hematuria. Identifiers: Orphanet 63, MedGen C1567741, MONDO:0018965.

Submissions (2):

Myriad Genetics, Inc.
Classification: Uncertain significance for Alport syndrome. Last evaluated: 2025-12-17. Review status: criteria provided, single submitter. Criteria: Myriad Autosomal Dominant, Autosomal Recessive and X-Linked Classification Criteria (2023). Collection method: clinical testing. Allele origin: unknown.
Comment: NM_000092.4(COL4A4):c.3698G>C(G1233A) is a missense variant classified as a variant of uncertain significance in the context of Alport syndrome, COL4A4-related. G1233A has not been observed in cases with relevant disease. Relevant functional assessments of this variant are not available in the literature. G1233A has not been observed in referenced population frequency databases. In summary, there is insufficient evidence to classify NM_000092.4(COL4A4):c.3698G>C(G1233A) as pathogenic or benign. Please note: this variant was assessed in the context of healthy population screening.

Fulgent Genetics
Classification: Likely pathogenic for Hematuria, benign familial, 1; Autosomal recessive Alport syndrome. Last evaluated: 2024-03-01. Review status: criteria provided, single submitter. Criteria: ACMG Guidelines, 2015. Collection method: clinical testing. Allele origin: germline.

NM_000092.5(COL4A4):c.3698G>C (p.Gly1233Ala)

Gene: COL4A4 (collagen type IV alpha 4 chain; minus strand). Cytogenetic location: 2q36.3.
Variant type: single nucleotide variant.
Coding change: c.3698G>C on transcript NM_000092.5 (MANE Select); coding-DNA position 3698, G replaced by C.
Protein change: p.Gly1233Ala; replaces glycine 1233 with alanine.
Molecular consequence: missense variant.
Genome position (GRCh38, 1-based): chr2:227,032,156, C>G on the plus strand (G>C on the coding strand, the complement: COL4A4 is on the minus strand). VCF-style: chr2-227032156-C-G. GRCh37 (hg19) VCF-style: chr2-227896872-C-G.
Other names: short protein forms G1233A.
Identifiers: ClinVar variation 3585773 (VCV003585773.2).